The following is an entry in ClinVar:

ClinVar aggregate classification (germline): Benign/Likely benign. Review status: criteria provided, multiple submitters, no conflicts (2 of 4 stars). 2 submissions from 2 submitters: Benign (1); Likely benign (1). Last evaluated 2024-09-13.

Conditions:
Hereditary cancer-predisposing syndrome. Also called: Neoplastic Syndromes, Hereditary; Tumor predisposition; Hereditary neoplastic syndrome; Hereditary Cancer Syndrome. Identifiers: Orphanet 140162, MedGen C0027672, MeSH D009386, MONDO:0015356.
Hereditary diffuse gastric adenocarcinoma (HDGC). Also called: DIFFUSE GASTRIC AND LOBULAR BREAST CANCER SYNDROME. Identifiers: Orphanet 26106, MedGen C1708349, MONDO:0007648, OMIM 137215.

Submissions (2):

Myriad Genetics, Inc.
Classification: Benign for Hereditary diffuse gastric adenocarcinoma. Last evaluated: 2024-09-13. Review status: criteria provided, single submitter. Criteria: Myriad Autosomal Dominant, Autosomal Recessive and X-Linked Classification Criteria (2023). Collection method: clinical testing. Allele origin: unknown.
Comment: This variant is considered benign. This variant is a silent/synonymous amino acid change and it is not expected to impact splicing.

Ambry Genetics
Classification: Likely benign for Hereditary cancer-predisposing syndrome. Last evaluated: 2019-12-31. Review status: criteria provided, single submitter. Criteria: Ambry Variant Classification Scheme 2023. Collection method: clinical testing. Allele origin: germline.

NM_004360.5(CDH1):c.750C>A (p.Ile250=)

Gene: CDH1 (cadherin 1; plus strand). Cytogenetic location: 16q22.1.
Variant type: single nucleotide variant.
Coding change: c.750C>A on transcript NM_004360.5 (MANE Select); coding-DNA position 750, C replaced by A.
Protein change: p.Ile250=; no amino-acid change (isoleucine 250 retained).
Molecular consequence: synonymous variant. On other transcripts: 5 prime UTR variant (2).
Genome position (GRCh38, 1-based): chr16:68,810,259, C>A. VCF-style: chr16-68810259-C-A. GRCh37 (hg19) VCF-style: chr16-68844162-C-A.
Other names: c.750C>A, p.Ile250= (NM_001317184.2); c.-866C>A (NM_001317185.2); c.-1070C>A (NM_001317186.2).
Identifiers: ClinVar variation 1759246 (VCV001759246.3), dbSNP rs1960782299, ClinGen allele CA496152787.